The following is an entry in ClinVar:

NM_001099274.3(TINF2):c.630C>G (p.Asn210Lys)

Gene: TINF2 (TERF1 interacting nuclear factor 2; minus strand). Cytogenetic location: 14q12.
Variant type: single nucleotide variant.
Coding change: c.630C>G on transcript NM_001099274.3 (MANE Select); coding-DNA position 630, C replaced by G.
Protein change: p.Asn210Lys; replaces asparagine 210 with lysine.
Molecular consequence: missense variant.
Genome position (GRCh38, 1-based): chr14:24,240,850, G>C on the plus strand (C>G on the coding strand, the complement: TINF2 is on the minus strand). VCF-style: chr14-24240850-G-C. GRCh37 (hg19) VCF-style: chr14-24710056-G-C.
Other names: c.525C>G, p.Asn175Lys (NM_001363668.2); c.630C>G, p.Asn210Lys (NM_012461.3); short protein forms N175K, N210K.
Identifiers: ClinVar variation 2060675 (VCV002060675.4), dbSNP rs2040561581, ClinGen allele CA389229748.

ClinVar aggregate classification (germline): Uncertain significance (1 of 4 stars; one submission).

Conditions:
Dyskeratosis congenita. Identifiers: Orphanet 1775, MedGen C0265965, MONDO:0015780.

Submission:

Labcorp Genetics (formerly Invitae), Labcorp
Classification: Uncertain significance for Dyskeratosis congenita. Last evaluated: 2021-12-17. Review status: criteria provided, single submitter. Criteria: Invitae Variant Classification Sherloc (09022015). Collection method: clinical testing. Allele origin: germline.
Comment: In summary, the available evidence is currently insufficient to determine the role of this variant in disease. Therefore, it has been classified as a Variant of Uncertain Significance. Algorithms developed to predict the effect of missense changes on protein structure and function are either unavailable or do not agree on the potential impact of this missense change (SIFT: "Tolerated"; PolyPhen-2: "Possibly Damaging"; Align-GVGD: "Class C0"). This variant has not been reported in the literature in individuals affected with TINF2-related conditions. This variant is not present in population databases (gnomAD no frequency). This sequence change replaces asparagine, which is neutral and polar, with lysine, which is basic and polar, at codon 210 of the TINF2 protein (p.Asn210Lys).